The following is an entry in ClinVar:

NM_000243.3(MEFV):c.18T>A (p.Ser6Arg)

Gene: MEFV (MEFV innate immuity regulator, pyrin; minus strand). Cytogenetic location: 16p13.3.
Variant type: single nucleotide variant.
Coding change: c.18T>A on transcript NM_000243.3 (MANE Select); coding-DNA position 18, T replaced by A.
Protein change: p.Ser6Arg; replaces serine 6 with arginine.
Molecular consequence: missense variant.
Genome position (GRCh38, 1-based): chr16:3,256,570, A>T on the plus strand (T>A on the coding strand, the complement: MEFV is on the minus strand). VCF-style: chr16-3256570-A-T. GRCh37 (hg19) VCF-style: chr16-3306570-A-T.
Other names: c.18T>A, p.Ser6Arg (NM_001198536.2); short protein forms S6R.
Identifiers: ClinVar variation 234346 (VCV000234346.2), dbSNP rs772221366, ClinGen allele CA10577529.

ClinVar aggregate classification (germline): Uncertain significance (1 of 4 stars; one submission).

Submission:

GeneDx
Classification: Uncertain significance. Last evaluated: 2014-10-30. Review status: criteria provided, single submitter. Criteria: GeneDx Variant Classification (06012015). Collection method: clinical testing. Allele origin: germline. Affected: yes.
Comment: The S6R variant has not been published as a mutation, nor has it been reported as a benign polymorphism to our knowledge. It was not observed in approximately 6,400 individuals of European and African American ancestry in the NHLBI Exome Sequencing Project, indicating it is not a common benign variant in these populations. The S6R variant is a semi-conservative amino acid substitution, which may impact secondary protein structure as these residues differ in some properties. However, this substitution occurs at a position that is moderately conserved among mammals with Arginine tolerated in two species, and in silico analysis predicts this variant likely does not alter the protein structure/function. Therefore, based on the currently available information, it is unclear whether this variant is a pathogenic mutation or a rare benign variant.